The following is an entry in ClinVar:

NM_052947.4(ALPK2):c.4895T>C (p.Ile1632Thr)

Gene: ALPK2 (alpha kinase 2; minus strand). Cytogenetic location: 18q21.31.
Variant type: single nucleotide variant.
Coding change: c.4895T>C on transcript NM_052947.4 (MANE Select); coding-DNA position 4895, T replaced by C.
Protein change: p.Ile1632Thr; replaces isoleucine 1632 with threonine.
Molecular consequence: missense variant.
Genome position (GRCh38, 1-based): chr18:58,535,292, A>G on the plus strand (T>C on the coding strand, the complement: ALPK2 is on the minus strand). VCF-style: chr18-58535292-A-G. GRCh37 (hg19) VCF-style: chr18-56202524-A-G.
Other names: short protein forms I1632T.
Identifiers: ClinVar variation 2451094 (VCV002451094.2), dbSNP rs2518873878, ClinGen allele CA402559329.

ClinVar aggregate classification (germline): Uncertain significance (1 of 4 stars; one submission).

Allele frequency attached by ClinVar (database versions not stated): gnomAD exomes below 0.00001.
gnomAD v4.1: 2 of 1,614,160 alleles (0.00012%); highest among the groups gnomAD compares: Non-Finnish European, 0.000085%; no homozygotes.

Submission:

Ambry Genetics
Classification: Uncertain significance. Last evaluated: 2023-02-25. Review status: criteria provided, single submitter. Criteria: Ambry Variant Classification Scheme 2023. Collection method: clinical testing. Allele origin: germline.
Comment: The p.I1632T variant (also known as c.4895T>C), located in coding exon 4 of the ALPK2 gene, results from a T to C substitution at nucleotide position 4895. The isoleucine at codon 1632 is replaced by threonine, an amino acid with similar properties. This amino acid position is conserved. In addition, this alteration is predicted to be tolerated by in silico analysis. Since supporting evidence is limited at this time, the clinical significance of this alteration remains unclear.